The following is an entry in ClinVar:

ClinVar aggregate classification (germline): Uncertain significance. Review status: criteria provided, single submitter (1 of 4 stars). 2 submissions from 2 submitters: Uncertain significance (1). 1 of the submissions does not count toward it. Last evaluated 2022-06-22.

Conditions:
Sphingolipid activator protein 1 deficiency. Also called: METACHROMATIC LEUKODYSTROPHY DUE TO CEREBROSIDE SULFATASE ACTIVATOR DEFICIENCY; Saposin B Deficiency; Metachromatic leukodystrophy due to saposin B deficiency. Identifiers: Orphanet 512, MedGen C0268262, MONDO:0009590, OMIM 249900.
Metachromatic leukodystrophy (MLD). Also called: METACHROMATIC LEUKOENCEPHALOPATHY; Arylsulfatase A Deficiency; SULFATIDE LIPIDOSIS; ARSA DEFICIENCY; CEREBROSIDE SULFATASE DEFICIENCY; Cerebral sclerosis diffuse metachromatic form. Identifiers: Orphanet 512, MedGen C0023522, MONDO:0018868, OMIM 250100.

Allele frequency attached by ClinVar (database versions not stated): gnomAD exomes 0.00001 and 0.00002; TOPMed 0.00001; ExAC 0.00003.
gnomAD v4.1: 14 of 1,614,018 alleles (0.00087%); highest among the groups gnomAD compares: East Asian, 0.0022%; no homozygotes.

Submissions (2):

Labcorp Genetics (formerly Invitae), Labcorp
Classification: Uncertain significance for Sphingolipid activator protein 1 deficiency. Last evaluated: 2022-06-22. Review status: criteria provided, single submitter. Criteria: Invitae Variant Classification Sherloc (09022015). Collection method: clinical testing. Allele origin: germline.
Comment: This sequence change replaces aspartic acid, which is acidic and polar, with asparagine, which is neutral and polar, at codon 340 of the PSAP protein (p.Asp340Asn). This variant is present in population databases (rs759154767, gnomAD 0.01%). This variant has not been reported in the literature in individuals affected with PSAP-related conditions. ClinVar contains an entry for this variant (Variation ID: 991968). Algorithms developed to predict the effect of missense changes on protein structure and function output the following: SIFT: "Not Available"; PolyPhen-2: "Benign"; Align-GVGD: "Not Available". The asparagine amino acid residue is found in multiple mammalian species, which suggests that this missense change does not adversely affect protein function. In summary, the available evidence is currently insufficient to determine the role of this variant in disease. Therefore, it has been classified as a Variant of Uncertain Significance.

Natera, Inc.
Classification: Uncertain significance for Metachromatic leukodystrophy. Last evaluated: 2020-04-11. Review status: no assertion criteria provided. Collection method: clinical testing. Allele origin: germline. Not counted in ClinVar's aggregate classification.

NM_002778.4(PSAP):c.1018G>A (p.Asp340Asn)

Gene: PSAP (prosaposin; minus strand). Cytogenetic location: 10q22.1.
Variant type: single nucleotide variant.
Coding change: c.1018G>A on transcript NM_002778.4 (MANE Select); coding-DNA position 1018, G replaced by A.
Protein change: p.Asp340Asn; replaces aspartic acid 340 with asparagine.
Molecular consequence: missense variant.
Genome position (GRCh38, 1-based): chr10:71,819,888, C>T on the plus strand (G>A on the coding strand, the complement: PSAP is on the minus strand). VCF-style: chr10-71819888-C-T. GRCh37 (hg19) VCF-style: chr10-73579645-C-T.
Other names: c.1027G>A, p.Asp343Asn (NM_001042465.3); c.1024G>A, p.Asp342Asn (NM_001042466.3); short protein forms D340N, D342N, D343N.
Identifiers: ClinVar variation 991968 (VCV000991968.3), dbSNP rs759154767, ClinGen allele CA5547509.
Genomic context (GRCh38, chr10:71,819,888, plus strand): 5'-CCTCCTGGCACTCTTCCGACAGGGACTTCGGCAGCTTCGAGCACATTTTGTCAAAAGCGT[C>T]GAGTATTTCTTTCTGAAACACACGAGAGGATCGTGTGAGAAGACGGGAGGCCGGACAAGG-3'
Protein context (NP_002769.1, residues 330-350): DNNKTEKEIL[Asp340Asn]AFDKMCSKLP